The following is an entry in ClinVar:

NM_000049.4(ASPA):c.634+1G>A

Genes: ASPA (aspartoacylase; plus strand), SPATA22 (spermatogenesis associated 22; minus strand). Cytogenetic location: 17p13.2.
Variant type: single nucleotide variant.
Coding change: c.634+1G>A on transcript NM_000049.4 (MANE Select); the canonical splice donor site of the intron after coding-DNA position 634, G replaced by A.
Molecular consequence: splice donor variant. On other transcripts: intron variant (2).
Genome position (GRCh38, 1-based): chr17:3,489,343, G>A. VCF-style: chr17-3489343-G-A. GRCh37 (hg19) VCF-style: chr17-3392637-G-A.
Other names: c.-73-19945C>T (NM_001321336.2, NM_001321337.2); c.634+1G>A (NM_001128085.1, NM_000049.2).
Identifiers: ClinVar variation 2678887 (VCV002678887.2), dbSNP rs753871454, ClinGen allele CA397684682.

ClinVar aggregate classification (germline): Pathogenic (1 of 4 stars; one submission).

Conditions:
Spongy degeneration of central nervous system. Also called: ACY2 DEFICIENCY; AMINOACYLASE 2 DEFICIENCY; ASP DEFICIENCY; ASPA DEFICIENCY; ASPARTOACYLASE DEFICIENCY; CANAVAN-VAN BOGAERT-BERTRAND DISEASE. Identifiers: Orphanet 141, MedGen C0206307, MONDO:0010079, OMIM 271900.

gnomAD v4.1: 1 of 1,589,630 alleles (0.000063%); highest among the groups gnomAD compares: East Asian, 0.0022%; no homozygotes.

Submission:

Natera, Inc.
Classification: Pathogenic for Canavan Disease. Last evaluated: 2025-11-17. Review status: criteria provided, single submitter. Criteria: Natera Variant Classification Schema (03/2026). Collection method: clinical testing. Allele origin: germline.
Comment: The c.634+1G>A variant in ASPA is a canonical splice donor site variant predicted to affect pre-mRNA splicing, which may result in an abnormal transcript and altered protein product. This variant is expected to result in nonsense mediated decay, truncation, or a dysfunctional protein product. This variant is rare in the general population with a frequency below the threshold expected for the associated phenotype(s). Another variant at this same site results in an alteration predicted to cause a similar molecular effect has been observed in individual(s) with the associated phenotype. Given the available evidence, this variant is classified as Pathogenic.